The following is an entry in ClinVar:

NM_002432.3(MNDA):c.532A>G (p.Thr178Ala)

Gene: MNDA (myeloid cell nuclear differentiation antigen; plus strand). Cytogenetic location: 1q23.1.
Variant type: single nucleotide variant.
Coding change: c.532A>G on transcript NM_002432.3 (MANE Select); coding-DNA position 532, A replaced by G.
Protein change: p.Thr178Ala; replaces threonine 178 with alanine.
Molecular consequence: missense variant.
Genome position (GRCh38, 1-based): chr1:158,844,084, A>G. VCF-style: chr1-158844084-A-G. GRCh37 (hg19) VCF-style: chr1-158813874-A-G.
Other names: short protein forms T178A.
Identifiers: ClinVar variation 1746861 (VCV001746861.3), dbSNP rs768544886, ClinGen allele CA1185625.

ClinVar aggregate classification (germline): Uncertain significance (1 of 4 stars; one submission).

Allele frequency attached by ClinVar (database versions not stated): TOPMed below 0.00001; ExAC 0.00001; gnomAD exomes 0.00001.
gnomAD v4.1: 3 of 1,605,712 alleles (0.00019%); highest among the groups gnomAD compares: Non-Finnish European, 0.000085%; no homozygotes.

Submission:

Ambry Genetics
Classification: Uncertain significance. Last evaluated: 2024-07-21. Review status: criteria provided, single submitter. Criteria: Ambry Variant Classification Scheme 2023. Collection method: clinical testing. Allele origin: germline.
Comment: The p.T178A variant (also known as c.532A>G), located in coding exon 3 of the MNDA gene, results from an A to G substitution at nucleotide position 532. The threonine at codon 178 is replaced by alanine, an amino acid with similar properties. This amino acid position is conserved. In addition, this alteration is predicted to be tolerated by in silico analysis. Since supporting evidence is limited at this time, the clinical significance of this alteration remains unclear.